The following is an entry in ClinVar:

NM_001289104.2(PRKCSH):c.361C>T (p.Arg121Cys)

Gene: PRKCSH (PRKCSH beta subunit of glucosidase II; plus strand). Cytogenetic location: 19p13.2.
Variant type: single nucleotide variant.
Coding change: c.361C>T on transcript NM_001289104.2 (MANE Select); coding-DNA position 361, C replaced by T.
Protein change: p.Arg121Cys; replaces arginine 121 with cysteine.
Molecular consequence: missense variant.
Genome position (GRCh38, 1-based): chr19:11,441,250, C>T. VCF-style: chr19-11441250-C-T. GRCh37 (hg19) VCF-style: chr19-11552065-C-T.
Other names: c.361C>T, p.Arg121Cys (NM_001001329.3, NM_001289102.2, NM_001289103.2 and 3 more transcripts); c.361C>T (NM_002743.2); short protein forms R121C.
Identifiers: ClinVar variation 2063505 (VCV002063505.6), dbSNP rs779781221, ClinGen allele CA9212828.
Genomic context (GRCh38, chr19:11,441,250, plus strand): 5'-GTGGATCCTAAGTGCCCCACTGGTGGTGCCTGTGTGTCTCCGCACCGCAGAGAGAAGGGC[C>T]GTAAGGAGAGAGAGTCCCTGCAGCAGATGGCCGAGGTCACCCGCGAAGGGTTCCGTCTGA-3'
Protein context (NP_001276033.1, residues 111-131): ICENTCKEKG[Arg121Cys]KERESLQQMA

ClinVar aggregate classification (germline): Uncertain significance. Review status: criteria provided, multiple submitters, no conflicts (2 of 4 stars). 3 submissions from 3 submitters: Uncertain significance (3). Last evaluated 2024-11-19.

Conditions:
Polycystic liver disease 1 (PCLD1). Also called: Polycystic liver disease 1 with or without kidney cysts. Identifiers: Orphanet 2924, MedGen C0887850, MONDO:0008265, OMIM 174050.
Inborn genetic diseases. Identifiers: MedGen C0950123, MeSH D030342.

Allele frequency attached by ClinVar (database versions not stated): gnomAD exomes 0.00001; ExAC 0.00002; gnomAD 0.00002; TOPMed 0.00002.

Submissions (3):

Labcorp Genetics (formerly Invitae), Labcorp
Classification: Uncertain significance. Last evaluated: 2024-11-19. Review status: criteria provided, single submitter. Criteria: Invitae Variant Classification Sherloc (09022015). Collection method: clinical testing. Allele origin: germline.
Comment: This sequence change replaces arginine, which is basic and polar, with cysteine, which is neutral and slightly polar, at codon 121 of the PRKCSH protein (p.Arg121Cys). This variant is present in population databases (rs779781221, gnomAD 0.009%). This variant has not been reported in the literature in individuals affected with PRKCSH-related conditions. ClinVar contains an entry for this variant (Variation ID: 2063505). An algorithm developed to predict the effect of missense changes on protein structure and function (PolyPhen-2) suggests that this variant is likely to be disruptive. In summary, the available evidence is currently insufficient to determine the role of this variant in disease. Therefore, it has been classified as a Variant of Uncertain Significance.

Fulgent Genetics
Classification: Uncertain significance for Polycystic liver disease 1. Last evaluated: 2024-02-19. Review status: criteria provided, single submitter. Criteria: ACMG Guidelines, 2015. Collection method: clinical testing. Allele origin: germline.

Ambry Genetics
Classification: Uncertain significance for Inborn genetic diseases. Last evaluated: 2023-10-10. Review status: criteria provided, single submitter. Criteria: Ambry Variant Classification Scheme 2023. Collection method: clinical testing. Allele origin: germline.